The following is an entry in ClinVar:

ClinVar aggregate classification (germline): Likely benign. Review status: criteria provided, multiple submitters, no conflicts (2 of 4 stars). 2 submissions from 2 submitters: Likely benign (2). Last evaluated 2023-04-06.

Allele frequency attached by ClinVar (database versions not stated): gnomAD exomes below 0.00001; gnomAD 0.00002; TOPMed 0.00002.
gnomAD v4.1: 5 of 1,614,010 alleles (0.00031%); highest among the groups gnomAD compares: African/African-American, 0.0067%; no homozygotes.

Submissions (2):

Labcorp Genetics (formerly Invitae), Labcorp
Classification: Likely benign. Last evaluated: 2023-04-06. Review status: criteria provided, single submitter. Criteria: Invitae Variant Classification Sherloc (09022015). Collection method: clinical testing. Allele origin: germline.

GeneDx
Classification: Likely benign. Last evaluated: 2016-08-10. Review status: criteria provided, single submitter. Criteria: GeneDx Variant Classification (06012015). Collection method: clinical testing. Allele origin: germline. Affected: yes.
Comment: This variant is considered likely benign or benign based on one or more of the following criteria: it is a conservative change, it occurs at a poorly conserved position in the protein, it is predicted to be benign by multiple in silico algorithms, and/or has population frequency not consistent with disease.

NM_018943.3(TUBA8):c.227-6T>C

Gene: TUBA8 (tubulin alpha 8; plus strand). Cytogenetic location: 22q11.21.
Variant type: single nucleotide variant.
Coding change: c.227-6T>C on transcript NM_018943.3 (MANE Select); 6 bases into the intron before coding-DNA position 227, T replaced by C.
Molecular consequence: intron variant.
Genome position (GRCh38, 1-based): chr22:18,124,150, T>C. VCF-style: chr22-18124150-T-C. GRCh37 (hg19) VCF-style: chr22-18606917-T-C.
Other names: c.29-6T>C (NM_001193414.2).
Identifiers: ClinVar variation 388448 (VCV000388448.4), dbSNP rs902770473, ClinGen allele CA16608553.